The following is an entry in ClinVar:

NM_007294.4(BRCA1):c.2182A>T (p.Arg728Ter)

Gene: BRCA1 (BRCA1 DNA repair associated; minus strand). Cytogenetic location: 17q21.31.
Variant type: single nucleotide variant.
Coding change: c.2182A>T on transcript NM_007294.4 (MANE Select); coding-DNA position 2182, A replaced by T.
Protein change: p.Arg728Ter; replaces arginine 728 with a stop codon.
Molecular consequence: nonsense. On other transcripts: intron variant (137).
Genome position (GRCh38, 1-based): chr17:43,093,349, T>A on the plus strand (A>T on the coding strand, the complement: BRCA1 is on the minus strand). VCF-style: chr17-43093349-T-A. GRCh37 (hg19) VCF-style: chr17-41245366-T-A.
Other names: c.1849A>T, p.Arg617Ter (NM_001407950.1, NM_001407951.1, NM_001407952.1 and 6 more transcripts); c.1846A>T, p.Arg616Ter (NM_001407954.1, NM_001407955.1, NM_001407956.1 and 1 more transcripts); c.2041A>T, p.Arg681Ter (NM_007297.4, NM_001407695.1, NM_001407696.1 and 29 more transcripts); c.2182A>T, p.Arg728Ter (NM_007300.4, NM_001407639.1, NM_001407640.1 and 30 more transcripts); c.646+1395A>T (NM_001408458.1, NM_001408469.1, NM_001408453.1 and 11 more transcripts); c.283+1395A>T (NM_001408512.1); c.406+1395A>T (NM_001408510.1); c.643+1395A>T (NM_001408470.1, NM_001408464.1, NM_001408468.1 and 3 more transcripts); and 41 more; short protein forms R661*, R701*, R702*, R432*, R560*, R600*, R616*, R617*.
Identifiers: ClinVar variation 2811747 (VCV002811747.4), dbSNP rs1555590265, ClinGen allele CA10597639.

ClinVar aggregate classification (germline): Pathogenic. Review status: criteria provided, multiple submitters, no conflicts (2 of 4 stars). 2 submissions from 2 submitters: Pathogenic (2). Last evaluated 2026-03-05.

Conditions:
Hereditary cancer-predisposing syndrome. Also called: Tumor predisposition; Neoplastic Syndromes, Hereditary; Hereditary Cancer Syndrome; Hereditary neoplastic syndrome. Identifiers: Orphanet 140162, MedGen C0027672, MeSH D009386, MONDO:0015356.
Hereditary breast ovarian cancer syndrome. Also called: Hereditary breast and ovarian cancer syndrome; Hereditary breast and ovarian cancer; Hereditary breast and/or ovarian cancer syndrome; BRCA1- and BRCA2-Associated Hereditary Breast and Ovarian Cancer; Breast and ovarian cancer; Hereditary breast and ovarian cancer syndrome (HBOC). Identifiers: Orphanet 145, MedGen C0677776, MeSH D061325, MONDO:0003582. Disease mechanism: loss of function.

Submissions (2):

Ambry Genetics
Classification: Pathogenic for Hereditary cancer-predisposing syndrome. Last evaluated: 2026-03-05. Review status: criteria provided, single submitter. Criteria: Ambry Variant Classification Scheme 2023. Collection method: clinical testing. Allele origin: germline.
Comment: The p.R728* pathogenic mutation (also known as c.2182A>T), located in coding exon 9 of the BRCA1 gene, results from an A to T substitution at nucleotide position 2182. This changes the amino acid from an arginine to a stop codon within coding exon 9. This variant is considered to be rare based on population cohorts in the Genome Aggregation Database (gnomAD). This alteration is expected to result in loss of function by premature protein truncation or nonsense-mediated mRNA decay. As such, this alteration is interpreted as a disease-causing mutation.

Labcorp Genetics (formerly Invitae), Labcorp
Classification: Pathogenic for Hereditary breast ovarian cancer syndrome. Last evaluated: 2022-11-03. Review status: criteria provided, single submitter. Criteria: Invitae Variant Classification Sherloc (09022015). Collection method: clinical testing. Allele origin: germline.
Comment: For these reasons, this variant has been classified as Pathogenic. This variant has not been reported in the literature in individuals affected with BRCA1-related conditions. This variant is not present in population databases (gnomAD no frequency). This sequence change creates a premature translational stop signal (p.Arg728*) in the BRCA1 gene. It is expected to result in an absent or disrupted protein product. Loss-of-function variants in BRCA1 are known to be pathogenic (PMID: 20104584).

Literature cited by the submitters: PubMed 20104584 (cited by Labcorp Genetics (formerly Invitae), Labcorp).